The following is an entry in ClinVar:

NM_001276345.2(TNNT2):c.502C>G (p.Arg168Gly)

Gene: TNNT2 (troponin T2, cardiac type; minus strand). Cytogenetic location: 1q32.1.
Variant type: single nucleotide variant.
Coding change: c.502C>G on transcript NM_001276345.2 (MANE Select); coding-DNA position 502, C replaced by G.
Protein change: p.Arg168Gly; replaces arginine 168 with glycine.
Molecular consequence: missense variant.
Genome position (GRCh38, 1-based): chr1:201,363,394, G>C on the plus strand (C>G on the coding strand, the complement: TNNT2 is on the minus strand). VCF-style: chr1-201363394-G-C. GRCh37 (hg19) VCF-style: chr1-201332522-G-C.
Other names: p.R158G:CGA>GGA; c.502C>G, p.Arg168Gly (NM_000364.4); c.472C>G, p.Arg158Gly (NM_001001430.3, NM_001001431.3, NM_001276347.2); c.457C>G, p.Arg153Gly (NM_001001432.3); c.382C>G, p.Arg128Gly (NM_001276346.2); short protein forms R158G, R168G, R128G, R153G.
Identifiers: ClinVar variation 181620 (VCV000181620.9), dbSNP rs730881103, ClinGen allele CA004619.

ClinVar aggregate classification (germline): Conflicting classifications of pathogenicity. Review status: criteria provided, conflicting classifications (1 of 4 stars). 2 submissions from 2 submitters: Likely pathogenic (1); Uncertain significance (1). Last evaluated 2025-05-13.

Conditions:
Hypertrophic cardiomyopathy 2. Also called: TNNT2-Related Familial Hypertrophic Cardiomyopathy. Identifiers: MedGen C1861864, MONDO:0007266, OMIM 115195.
Dilated cardiomyopathy 1D. Identifiers: Orphanet 154, Orphanet 54260, MedGen C1832243, MONDO:0011095, OMIM 601494.
Cardiomyopathy, familial restrictive, 3. Identifiers: Orphanet 75249, MedGen C2676271, MONDO:0012900, OMIM 612422.

Submissions (2):

Labcorp Genetics (formerly Invitae), Labcorp
Classification: Likely pathogenic for Cardiomyopathy, familial restrictive, 3; Hypertrophic cardiomyopathy 2; Dilated cardiomyopathy 1D. Last evaluated: 2025-05-13. Review status: criteria provided, single submitter. Criteria: Invitae Variant Classification Sherloc (09022015). Collection method: clinical testing. Allele origin: germline.
Comment: This sequence change replaces arginine, which is basic and polar, with glycine, which is neutral and non-polar, at codon 158 of the TNNT2 protein (p.Arg158Gly). This variant is not present in population databases (gnomAD no frequency). This missense change has been observed in individual(s) with dilated or hypertrophic cardiomyopathy (PMID: 23283745, 31514951, 36396199; internal data). It has also been observed to segregate with disease in related individuals. ClinVar contains an entry for this variant (Variation ID: 181620). Invitae Evidence Modeling of protein sequence and biophysical properties (such as structural, functional, and spatial information, amino acid conservation, physicochemical variation, residue mobility, and thermodynamic stability) has been performed for this missense variant. However, the output from this modeling did not meet the statistical confidence thresholds required to predict the impact of this variant on TNNT2 protein function. In summary, the currently available evidence indicates that the variant is pathogenic, but additional data are needed to prove that conclusively. Therefore, this variant has been classified as Likely Pathogenic.

GeneDx
Classification: Uncertain significance. Last evaluated: 2016-07-19. Review status: criteria provided, single submitter. Criteria: GeneDx Variant Classification (06012015). Collection method: clinical testing. Allele origin: germline. Affected: yes.
Comment: The R158G variant was not observed in approximately 6,500 individuals of European and African American ancestry in the NHLBI Exome Sequencing Project, indicating it is not a common benign variant in these populations. The R158G variant is a non-conservative amino acid substitution, which is likely to impact secondary protein structure as these residues differ in polarity, charge, size and/or other properties. Furthermore, this substitution occurs at a position that is conserved across species and in silico analysis predicts this variant is probably damaging to the protein structure/function. However, additional evidence is needed to determine whether this variant is pathogenic or benign.

Literature cited by the submitters: PubMed 23283745 (cited by Labcorp Genetics (formerly Invitae), Labcorp); PubMed 31514951 (cited by Labcorp Genetics (formerly Invitae), Labcorp); PubMed 36396199 (cited by Labcorp Genetics (formerly Invitae), Labcorp).